The following is an entry in ClinVar:

ClinVar aggregate classification (germline): Uncertain significance. Review status: criteria provided, multiple submitters, no conflicts (2 of 4 stars). 2 submissions from 2 submitters: Uncertain significance (2). Last evaluated 2025-08-11.

Conditions:
Inborn genetic diseases. Identifiers: MedGen C0950123, MeSH D030342.

gnomAD v4.1: 14 of 1,614,142 alleles (0.00087%); highest among the groups gnomAD compares: Non-Finnish European, 0.0012%; no homozygotes.

Submissions (2):

Ambry Genetics
Classification: Uncertain significance for Inborn genetic diseases. Last evaluated: 2025-08-11. Review status: criteria provided, single submitter. Criteria: Ambry Variant Classification Scheme 2023. Collection method: clinical testing. Allele origin: germline.

GeneDx
Classification: Uncertain significance. Last evaluated: 2024-08-19. Review status: criteria provided, single submitter. Criteria: GeneDx Variant Classification Process June 2021. Collection method: clinical testing. Allele origin: germline. Affected: yes.
Comment: Not observed at significant frequency in large population cohorts (gnomAD); In silico analysis supports that this missense variant has a deleterious effect on protein structure/function; Has not been previously published as pathogenic or benign to our knowledge

NM_201631.4(TGM5):c.1066T>C (p.Trp356Arg)

Gene: TGM5 (transglutaminase 5; minus strand). Cytogenetic location: 15q15.2.
Variant type: single nucleotide variant.
Coding change: c.1066T>C on transcript NM_201631.4 (MANE Select); coding-DNA position 1066, T replaced by C.
Protein change: p.Trp356Arg; replaces tryptophan 356 with arginine.
Molecular consequence: missense variant.
Genome position (GRCh38, 1-based): chr15:43,239,202, A>G on the plus strand (T>C on the coding strand, the complement: TGM5 is on the minus strand). VCF-style: chr15-43239202-A-G. GRCh37 (hg19) VCF-style: chr15-43531400-A-G.
Other names: c.820T>C, p.Trp274Arg (NM_004245.4); short protein forms W274R, W356R.
Identifiers: ClinVar variation 3764191 (VCV003764191.2).
Genomic context (GRCh38, chr15:43,239,202, plus strand): 5'-CTTTCTTCTGGAGAGCCTCACCGTTGCTCATCTCCTGAGGTGTGGCGTCCAGCACCTGCC[A>G]GCCTCCATATGCAGGGGGCAGATCCTTCCGGGCCATCCAGCACTCATTCCAGACATGGAA-3'
Protein context (NP_963925.2, residues 346-366): RKDLPPAYGG[Trp356Arg]QVLDATPQEM